The following is an entry in ClinVar:

ClinVar aggregate classification (germline): Uncertain significance (1 of 4 stars; one submission).

Allele frequency attached by ClinVar (database versions not stated): gnomAD exomes 0.00001 and 0.00002; TOPMed 0.00001; ExAC 0.00002; gnomAD 0.00004.
gnomAD v4.1: 36 of 1,613,964 alleles (0.0022%); highest among the groups gnomAD compares: Non-Finnish European, 0.0027%; no homozygotes.

Submission:

Labcorp Genetics (formerly Invitae), Labcorp
Classification: Uncertain significance. Last evaluated: 2025-03-17. Review status: criteria provided, single submitter. Criteria: Invitae Variant Classification Sherloc (09022015). Collection method: clinical testing. Allele origin: germline.
Comment: This sequence change replaces alanine, which is neutral and non-polar, with serine, which is neutral and polar, at codon 860 of the GRM6 protein (p.Ala860Ser). This variant is present in population databases (rs766395429, gnomAD 0.003%). This variant has not been reported in the literature in individuals affected with GRM6-related conditions. ClinVar contains an entry for this variant (Variation ID: 849482). Invitae Evidence Modeling of protein sequence and biophysical properties (such as structural, functional, and spatial information, amino acid conservation, physicochemical variation, residue mobility, and thermodynamic stability) indicates that this missense variant is not expected to disrupt GRM6 protein function with a negative predictive value of 95%. In summary, the available evidence is currently insufficient to determine the role of this variant in disease. Therefore, it has been classified as a Variant of Uncertain Significance.

NM_000843.4(GRM6):c.2578G>T (p.Ala860Ser)

Genes: GRM6 (glutamate metabotropic receptor 6; minus strand), ZNF454 (zinc finger protein 454; plus strand). Cytogenetic location: 5q35.3.
Variant type: single nucleotide variant.
Coding change: c.2578G>T on transcript NM_000843.4 (MANE Select); coding-DNA position 2578, G replaced by T.
Protein change: p.Ala860Ser; replaces alanine 860 with serine.
Molecular consequence: missense variant.
Genome position (GRCh38, 1-based): chr5:178,981,713, C>A on the plus strand (G>T on the coding strand, the complement: GRM6 is on the minus strand). VCF-style: chr5-178981713-C-A. GRCh37 (hg19) VCF-style: chr5-178408714-C-A.
Other names: short protein forms A860S.
Identifiers: ClinVar variation 849482 (VCV000849482.10), dbSNP rs766395429, ClinGen allele CA3593502.